The following is an entry in ClinVar:

ClinVar aggregate classification (germline): Pathogenic/Likely pathogenic. Review status: criteria provided, multiple submitters, no conflicts (2 of 4 stars). 5 submissions from 5 submitters: Pathogenic (4); Likely pathogenic (1). Last evaluated 2025-10-03.
ClinVar aggregate classification (oncogenicity): Likely oncogenic (1 of 4 stars; one submission).

Conditions:
Ataxia-telangiectasia syndrome (AT). Also called: Ataxia-telangiectasia, complementation group D; Ataxia-telangiectasia, complementation group E; LOUIS-BAR SYNDROME; AT, COMPLEMENTATION GROUP C; ATAXIA-TELANGIECTASIA, COMPLEMENTATION GROUP A; ATAXIA-TELANGIECTASIA, FRESNO VARIANT. Identifiers: Orphanet 100, MedGen C0004135, MONDO:0008840, OMIM 208900.
Familial cancer of breast. Also called: hereditary breast carcinoma; Hereditary breast cancer; BREAST CANCER, FAMILIAL. Identifiers: Orphanet 227535, MedGen C0346153, MONDO:0016419, OMIM 114480. Disease mechanism: loss of function.
Hereditary cancer-predisposing syndrome. Also called: Neoplastic Syndromes, Hereditary; Hereditary neoplastic syndrome; Hereditary Cancer Syndrome; Tumor predisposition. Identifiers: Orphanet 140162, MedGen C0027672, MeSH D009386, MONDO:0015356.
Neoplasm. Also called: tumor; Neoplasms; Neoplasm (disease). Identifiers: MedGen C0027651, MeSH D009369, MONDO:0005070, HP:0002664.

Allele frequency attached by ClinVar (database versions not stated): gnomAD exomes below 0.00001.
gnomAD v4.1: 1 of 1,610,186 alleles (0.000062%); highest among the groups gnomAD compares: Non-Finnish European, 0.000085%; no homozygotes.

Submissions (6):

GeneDx
Classification: Pathogenic. Last evaluated: 2025-10-03. Review status: criteria provided, single submitter. Criteria: GeneDx Variant Classification Process June 2021. Collection method: clinical testing. Allele origin: germline. Affected: yes.
Comment: Nonsense variant predicted to result in protein truncation or nonsense mediated decay in a gene for which loss of function is a known mechanism of disease; Truncating variants in this gene are considered pathogenic by a well-established clinical consortium and/or database; Not observed at significant frequency in large population cohorts (gnomAD); This variant is associated with the following publications: (PMID: 34873480)

Center for Genomic Medicine, Rigshospitalet, Copenhagen University Hospital
Classification: Likely oncogenic for Neoplasm. Last evaluated: 2025-03-04. Review status: criteria provided, single submitter. Criteria: ClinGen/CGC/VICC Guidelines for Oncogenicity, 2022. Collection method: clinical testing. Allele origin: somatic. Affected: yes.

Labcorp Genetics (formerly Invitae), Labcorp
Classification: Pathogenic for Ataxia-telangiectasia syndrome. Last evaluated: 2024-07-22. Review status: criteria provided, single submitter. Criteria: Invitae Variant Classification Sherloc (09022015). Collection method: clinical testing. Allele origin: germline.
Comment: This sequence change creates a premature translational stop signal (p.Gln2881*) in the ATM gene. It is expected to result in an absent or disrupted protein product. Loss-of-function variants in ATM are known to be pathogenic (PMID: 23807571, 25614872). This variant is not present in population databases (gnomAD no frequency). This variant has not been reported in the literature in individuals affected with ATM-related conditions. ClinVar contains an entry for this variant (Variation ID: 379623). For these reasons, this variant has been classified as Pathogenic.

Fulgent Genetics
Classification: Likely pathogenic for Familial cancer of breast; Ataxia-telangiectasia syndrome. Last evaluated: 2024-04-04. Review status: criteria provided, single submitter. Criteria: ACMG Guidelines, 2015. Collection method: clinical testing. Allele origin: germline.

Baylor Genetics
Classification: Pathogenic for Familial cancer of breast. Last evaluated: 2023-11-29. Review status: criteria provided, single submitter. Criteria: ACMG Guidelines, 2015. Collection method: clinical testing. Allele origin: unknown.

Ambry Genetics
Classification: Pathogenic for Hereditary cancer-predisposing syndrome. Last evaluated: 2022-07-22. Review status: criteria provided, single submitter. Criteria: Ambry Variant Classification Scheme 2023. Collection method: clinical testing. Allele origin: germline.
Comment: The p.Q2881* pathogenic mutation (also known as c.8641C>T), located in coding exon 58 of the ATM gene, results from a C to T substitution at nucleotide position 8641. This changes the amino acid from a glutamine to a stop codon within coding exon 58. This alteration was identified in an individual diagnosed with colorectal cancer (Liao H et al. Am J Cancer Res, 2021 Nov;11:5571-5580). This variant is considered to be rare based on population cohorts in the Genome Aggregation Database (gnomAD). In addition to the clinical data presented in the literature, this alteration is expected to result in loss of function by premature protein truncation or nonsense-mediated mRNA decay. As such, this alteration is interpreted as a disease-causing mutation.

Literature cited by the submitters: PubMed 16603769 (cited by Center for Genomic Medicine, Rigshospitalet, Copenhagen University Hospital); PubMed 23807571 (cited by Labcorp Genetics (formerly Invitae), Labcorp); PubMed 25614872 (cited by Labcorp Genetics (formerly Invitae), Labcorp); PubMed 34873480 (cited by Ambry Genetics).

NM_000051.4(ATM):c.8641C>T (p.Gln2881Ter)

Genes: ATM (ATM serine/threonine kinase; plus strand), C11orf65 (chromosome 11 open reading frame 65; minus strand). Cytogenetic location: 11q22.3.
Variant type: single nucleotide variant.
Coding change: c.8641C>T on transcript NM_000051.4 (MANE Select); coding-DNA position 8641, C replaced by T.
Protein change: p.Gln2881Ter; replaces glutamine 2881 with a stop codon.
Molecular consequence: nonsense. On other transcripts: intron variant (2).
Genome position (GRCh38, 1-based): chr11:108,347,335, C>T. VCF-style: chr11-108347335-C-T. GRCh37 (hg19) VCF-style: chr11-108218062-C-T.
Other names: c.8641C>T, p.Gln2881Ter (NM_001351834.2); c.641-38264G>A (NM_001330368.2); c.695-12043G>A (NM_001351110.2); short protein forms Q2881*.
Identifiers: ClinVar variation 379623 (VCV000379623.15), dbSNP rs1057520672, ClinGen allele CA16606855.